The following is an entry in ClinVar:

NM_003073.5(SMARCB1):c.1144del (p.Ala382fs)

Gene: SMARCB1 (SWI/SNF related BAF chromatin remodeling complex subunit B1; plus strand). Cytogenetic location: 22q11.23.
Variant type: Deletion.
Coding change: c.1144del on transcript NM_003073.5 (MANE Select); coding-DNA position 1144, one base deleted (G; older notation c.1144delG).
Protein change: p.Ala382fs; shifts the reading frame from alanine 382.
Molecular consequence: frameshift variant.
Genome position (GRCh38, 1-based): chr22:23,834,166, G deleted; the last of 2 consecutive G bases (chr22:23,834,165-23,834,166); deleting either gives the same sequence. VCF-style (leftmost placement, unchanged base first): chr22-23834164-CG-C. GRCh37 (hg19) VCF-style: chr22-24176351-CG-C.
Other names: c.1117del, p.Ala373fs (NM_001007468.3); c.1171del, p.Ala391fs (NM_001317946.2); c.1198del, p.Ala400fs (NM_001362877.2); short protein forms A373fs, A382fs, A391fs, A400fs.
Identifiers: ClinVar variation 4530287 (VCV004530287.1).
Genomic context (GRCh38, chr22:23,834,164, plus strand): 5'-TGGCCCCGACTCATTGCCCTCCCCACTCCTCTTCCAGGCGGATGAGGCGTCTTGCCAACA[CG>C]GCCCCGGCCTGGTAACCAGCCCATCAGCACACGGCTCCCACGGAGCATCTCAGAAGATTG-3'

ClinVar aggregate classification (somatic clinical impact): Tier I - Strong (1 of 4 stars; one submission).

Conditions:
Atypical teratoid rhabdoid tumor. Also called: Atypical teratoid/rhabdoid tumor. Identifiers: Orphanet 99966, MedGen C1266184, MONDO:0020560, HP:0034401.

Submission:

Institute for Genomic Medicine (IGM) Clinical Laboratory, Nationwide Children's Hospital
Classification: Tier I - Strong for Atypical teratoid rhabdoid tumor. Assertion type: diagnostic. Clinical significance: supports diagnosis. Last evaluated: 2023-03-07. Review status: criteria provided, single submitter. Criteria: AMP/ASCO/CAP Guidelines, 2017. Collection method: clinical testing. Allele origin: somatic. Affected: yes.
Comment: Variant has Tier I (strong) clinical significance as a diagnostic inclusion criterion in atypical teratoid rhabdoid tumor, based on the following evidence: 1) Documented in one or more cancer databases (e.g., St. Jude Pecan, COSMIC, CIViC, OncoKB). 2) Appears in one or more well-established professional guidelines (e.g., World Health Organization [WHO]; National Comprehensive Cancer Network [NCCN]) as providing diagnostic, prognostic, or therapeutic information. 3) Information in the literature supports potential biologic effect of variant. 4) Diagnostic for a specific tumor type/classification according to professional guidelines (Evidence Level A; PMIDs: 22797305, 9892189, 9671307, 26923874, 23074045).

Literature cited by the submitters: PubMed 22797305; PubMed 9892189; PubMed 9671307; PubMed 26923874; PubMed 23074045.